The following is an entry in ClinVar:

NM_000718.4(CACNA1B):c.2365del (p.Ser789fs)

Gene: CACNA1B (calcium voltage-gated channel subunit alpha1 B; plus strand). Cytogenetic location: 9q34.3.
Variant type: Deletion.
Coding change: c.2365del on transcript NM_000718.4 (MANE Select); coding-DNA position 2365, one base deleted (A; older notation c.2365delA).
Protein change: p.Ser789fs; shifts the reading frame from serine 789.
Molecular consequence: frameshift variant.
Genome position (GRCh38, 1-based): chr9:138,023,108, A deleted. VCF-style (leftmost placement, unchanged base first): chr9-138023107-CA-C. GRCh37 (hg19) VCF-style: chr9-140917559-CA-C.
Other names: c.2365del, p.Ser789fs (NM_001243812.2); short protein forms S789fs.
Identifiers: ClinVar variation 2101980 (VCV002101980.4), dbSNP rs2539372922, ClinGen allele CA2580081102.
Genomic context (GRCh38, chr9:138,023,107, plus strand): 5'-GGAGCAGCGGGCCAGCCAGCTACGGCTGCAGAACCTGCGGGCCAGCTGCGAGGCGCTGTA[CA>C]GCGAGATGGACCCCGAGGAGCGGCTGCGCTTCGCCACTACGCGCCACCTGCGGCCCGACA-3'

ClinVar aggregate classification (germline): Pathogenic (1 of 4 stars; one submission).

Submission:

Labcorp Genetics (formerly Invitae), Labcorp
Classification: Pathogenic. Last evaluated: 2022-02-22. Review status: criteria provided, single submitter. Criteria: Invitae Variant Classification Sherloc (09022015). Collection method: clinical testing. Allele origin: germline.
Comment: For these reasons, this variant has been classified as Pathogenic. This variant has not been reported in the literature in individuals affected with CACNA1B-related conditions. This variant is not present in population databases (gnomAD no frequency). This sequence change creates a premature translational stop signal (p.Ser789Alafs*21) in the CACNA1B gene. It is expected to result in an absent or disrupted protein product. Loss-of-function variants in CACNA1B are known to be pathogenic (PMID: 30982612).

Literature cited by the submitters: PubMed 30982612.